The following is an entry in ClinVar:

NM_001148.6(ANK2):c.378G>C (p.Gln126His)

Gene: ANK2 (ankyrin 2; plus strand). Cytogenetic location: 4q25.
Variant type: single nucleotide variant.
Coding change: c.378G>C on transcript NM_001148.6 (MANE Select); coding-DNA position 378, G replaced by C.
Protein change: p.Gln126His; replaces glutamine 126 with histidine.
Molecular consequence: missense variant.
Genome position (GRCh38, 1-based): chr4:113,199,103, G>C. VCF-style: chr4-113199103-G-C. GRCh37 (hg19) VCF-style: chr4-114120259-G-C.
Other names: c.315G>C, p.Gln105His (NM_001127493.3, NM_001354239.2, NM_001354243.2 and 33 more transcripts); c.378G>C, p.Gln126His (NM_001354225.2, NM_001354228.2, NM_001354232.2 and 9 more transcripts); c.423G>C, p.Gln141His (NM_001354230.2, NM_001354231.2, NM_001354237.2 and 5 more transcripts); c.360G>C, p.Gln120His (NM_001354261.2, NM_001386147.1, NM_001386160.1); c.366G>C, p.Gln122His (NM_001354269.3, NM_001386148.2, NM_001386186.2 and 1 more transcripts); c.429G>C, p.Gln143His (NM_001386174.1, NM_001386175.1); short protein forms Q105H, Q120H, Q122H, Q126H, Q141H, Q143H.
Identifiers: ClinVar variation 1000507 (VCV001000507.1), dbSNP rs2098792890, ClinGen allele CA357993792.

ClinVar aggregate classification (germline): Uncertain significance (1 of 4 stars; one submission).

Conditions:
Long QT syndrome (LQTS). Identifiers: MedGen C0023976, MeSH D008133, MONDO:0002442. Disease mechanism: loss of function. Inheritance: Various modes of inheritance.

Submission:

Labcorp Genetics (formerly Invitae), Labcorp
Classification: Uncertain significance for Long QT syndrome. Last evaluated: 2020-01-30. Review status: criteria provided, single submitter. Criteria: Invitae Variant Classification Sherloc (09022015). Collection method: clinical testing. Allele origin: germline.
Comment: This sequence change replaces glutamine with histidine at codon 126 of the ANK2 protein (p.Gln126His). The glutamine residue is highly conserved and there is a small physicochemical difference between glutamine and histidine. This variant is not present in population databases (ExAC no frequency). This variant has not been reported in the literature in individuals with ANK2-related conditions. Algorithms developed to predict the effect of missense changes on protein structure and function are either unavailable or do not agree on the potential impact of this missense change (SIFT: Deleterious; PolyPhen-2: Probably Damaging; Align-GVGD: Class C0). In summary, the available evidence is currently insufficient to determine the role of this variant in disease. Therefore, it has been classified as a Variant of Uncertain Significance.